The following is an entry in ClinVar:

NM_001792.5(CDH2):c.22C>G (p.Leu8Val)

Gene: CDH2 (cadherin 2; minus strand). Cytogenetic location: 18q12.1.
Variant type: single nucleotide variant.
Coding change: c.22C>G on transcript NM_001792.5 (MANE Select); coding-DNA position 22, C replaced by G.
Protein change: p.Leu8Val; replaces leucine 8 with valine.
Molecular consequence: missense variant.
Genome position (GRCh38, 1-based): chr18:28,177,001, G>C on the plus strand (C>G on the coding strand, the complement: CDH2 is on the minus strand). VCF-style: chr18-28177001-G-C. GRCh37 (hg19) VCF-style: chr18-25756965-G-C.
Other names: short protein forms L8V.
Identifiers: ClinVar variation 1789257 (VCV001789257.2), dbSNP rs1369360558, ClinGen allele CA402245120.

ClinVar aggregate classification (germline): Uncertain significance (1 of 4 stars; one submission).

Conditions:
Inborn genetic diseases. Identifiers: MedGen C0950123, MeSH D030342.

gnomAD v4.1: 5 of 1,483,486 alleles (0.00034%); highest among the groups gnomAD compares: Non-Finnish European, 0.00045%; no homozygotes.

Submission:

Ambry Genetics
Classification: Uncertain significance for Inborn genetic diseases. Last evaluated: 2022-01-02. Review status: criteria provided, single submitter. Criteria: Ambry Variant Classification Scheme 2023. Collection method: clinical testing. Allele origin: germline.
Comment: The p.L8V variant (also known as c.22C>G), located in coding exon 1 of the CDH2 gene, results from a C to G substitution at nucleotide position 22. The leucine at codon 8 is replaced by valine, an amino acid with highly similar properties. This amino acid position is conserved. In addition, this alteration is predicted to be tolerated by in silico analysis. Since supporting evidence is limited at this time, the clinical significance of this alteration remains unclear.